The following is an entry in ClinVar:

NM_000836.4(GRIN2D):c.3929C>T (p.Ala1310Val)

Gene: GRIN2D (glutamate ionotropic receptor NMDA type subunit 2D; plus strand). Cytogenetic location: 19q13.33.
Variant type: single nucleotide variant.
Coding change: c.3929C>T on transcript NM_000836.4 (MANE Select); coding-DNA position 3929, C replaced by T.
Protein change: p.Ala1310Val; replaces alanine 1310 with valine.
Molecular consequence: missense variant.
Genome position (GRCh38, 1-based): chr19:48,443,855, C>T. VCF-style: chr19-48443855-C-T. GRCh37 (hg19) VCF-style: chr19-48947112-C-T.
Other names: short protein forms A1310V.
Identifiers: ClinVar variation 1029956 (VCV001029956.4), dbSNP rs753854352, ClinGen allele CA406679025.
Genomic context (GRCh38, chr19:48,443,855, plus strand): 5'-CCTCCCGCCACGCTCGCAGGTGTCCGCACGCCGCGCACTGGGGGCCGCCGCTGCCCACAG[C>T]TTCCCACCGGAGACACCGGGGCGGGGACCTGGGCACCCGCAGGGGCTCGGCGCACTTCTC-3'
Protein context (NP_000827.2, residues 1300-1320): AAHWGPPLPT[Ala1310Val]SHRRHRGGDL

ClinVar aggregate classification (germline): Uncertain significance. Review status: criteria provided, multiple submitters, no conflicts (2 of 4 stars). 2 submissions from 2 submitters: Uncertain significance (2). Last evaluated 2023-05-20.

Conditions:
Developmental and epileptic encephalopathy, 46 (DEE46). Also called: Epileptic encephalopathy, early infantile, 46; GRIN2D-Related Developmental and Epileptic Encephalopathy. Identifiers: MedGen C4310687, MONDO:0014947, OMIM 617162.

Submissions (2):

Labcorp Genetics (formerly Invitae), Labcorp
Classification: Uncertain significance. Last evaluated: 2023-05-20. Review status: criteria provided, single submitter. Criteria: Invitae Variant Classification Sherloc (09022015). Collection method: clinical testing. Allele origin: germline.
Comment: This sequence change replaces alanine, which is neutral and non-polar, with valine, which is neutral and non-polar, at codon 1310 of the GRIN2D protein (p.Ala1310Val). In summary, the available evidence is currently insufficient to determine the role of this variant in disease. Therefore, it has been classified as a Variant of Uncertain Significance. Advanced modeling of protein sequence and biophysical properties (such as structural, functional, and spatial information, amino acid conservation, physicochemical variation, residue mobility, and thermodynamic stability) performed at Invitae indicates that this missense variant is not expected to disrupt GRIN2D protein function. ClinVar contains an entry for this variant (Variation ID: 1029956). This variant has not been reported in the literature in individuals affected with GRIN2D-related conditions. This variant is not present in population databases (gnomAD no frequency).

Baylor Genetics
Classification: Uncertain significance for Developmental and epileptic encephalopathy, 46. Last evaluated: 2019-07-29. Review status: criteria provided, single submitter. Criteria: ACMG Guidelines, 2015. Collection method: clinical testing. Allele origin: unknown. Affected: yes.
Comment: This variant was determined to be of uncertain significance according to ACMG Guidelines, 2015 [PMID:25741868].